The following is an entry in ClinVar:

NM_005477.3(HCN4):c.3034G>A (p.Gly1012Arg)

Gene: HCN4 (hyperpolarization activated cyclic nucleotide gated potassium channel 4; minus strand). Cytogenetic location: 15q24.1.
Variant type: single nucleotide variant.
Coding change: c.3034G>A on transcript NM_005477.3 (MANE Select); coding-DNA position 3034, G replaced by A.
Protein change: p.Gly1012Arg; replaces glycine 1012 with arginine.
Molecular consequence: missense variant.
Genome position (GRCh38, 1-based): chr15:73,323,059, C>T on the plus strand (G>A on the coding strand, the complement: HCN4 is on the minus strand). VCF-style: chr15-73323059-C-T. GRCh37 (hg19) VCF-style: chr15-73615400-C-T.
Other names: c.3034G>A (NM_005477.2); short protein forms G1012R.
Identifiers: ClinVar variation 2009964 (VCV002009964.6), dbSNP rs766728086, ClinGen allele CA7648899.

ClinVar aggregate classification (germline): Uncertain significance. Review status: criteria provided, multiple submitters, no conflicts (2 of 4 stars). 2 submissions from 2 submitters: Uncertain significance (2). Last evaluated 2025-05-06.

Conditions:
Brugada syndrome 8 (BRGDA8). Identifiers: Orphanet 130, MedGen C2751083, MONDO:0013148, OMIM 613123.
Left ventricular noncompaction. Identifiers: Orphanet 54260, MedGen C1960469, MONDO:0018901, HP:0030682.
Sick sinus syndrome 2, autosomal dominant (SSS2). Also called: SINUS BRADYCARDIA SYNDROME, FAMILIAL, AUTOSOMAL DOMINANT; SINUS NODE DISEASE, FAMILIAL, AUTOSOMAL DOMINANT; SICK SINUS SYNDROME 2; SICK SINUS SYNDROME 2 WITH OR WITHOUT CARDIAC NONCOMPACTION AND/OR ASCENDING AORTA DILATION; ATRIAL FIBRILLATION WITH BRADYARRHYTHMIA. Identifiers: Orphanet 166282, MedGen C1834144, MONDO:0008102, OMIM 163800.
Cardiovascular phenotype. Identifiers: MedGen CN230736.

Submissions (2):

Labcorp Genetics (formerly Invitae), Labcorp
Classification: Uncertain significance for Brugada syndrome 8. Last evaluated: 2025-05-06. Review status: criteria provided, single submitter. Criteria: Invitae Variant Classification Sherloc (09022015). Collection method: clinical testing. Allele origin: germline.
Comment: This sequence change replaces glycine, which is neutral and non-polar, with arginine, which is basic and polar, at codon 1012 of the HCN4 protein (p.Gly1012Arg). The frequency data for this variant in the population databases is considered unreliable, as metrics indicate poor data quality at this position in the gnomAD database. This variant has not been reported in the literature in individuals affected with HCN4-related conditions. ClinVar contains an entry for this variant (Variation ID: 2009964). Invitae Evidence Modeling of protein sequence and biophysical properties (such as structural, functional, and spatial information, amino acid conservation, physicochemical variation, residue mobility, and thermodynamic stability) indicates that this missense variant is not expected to disrupt HCN4 protein function with a negative predictive value of 95%. In summary, the available evidence is currently insufficient to determine the role of this variant in disease. Therefore, it has been classified as a Variant of Uncertain Significance.

Ambry Genetics
Classification: Uncertain significance for Cardiovascular phenotype. Last evaluated: 2023-03-07. Review status: criteria provided, single submitter. Criteria: Ambry Variant Classification Scheme 2023. Collection method: clinical testing. Allele origin: germline.
Comment: The p.G1012R variant (also known as c.3034G>A), located in coding exon 8 of the HCN4 gene, results from a G to A substitution at nucleotide position 3034. The glycine at codon 1012 is replaced by arginine, an amino acid with dissimilar properties. This amino acid position is conserved. In addition, the in silico prediction for this alteration is inconclusive. Since supporting evidence is limited at this time, the clinical significance of this alteration remains unclear.